The following is an entry in ClinVar:

NM_020937.4(FANCM):c.1015G>A (p.Asp339Asn)

Gene: FANCM (FA complementation group M; plus strand). Cytogenetic location: 14q21.2.
Variant type: single nucleotide variant.
Coding change: c.1015G>A on transcript NM_020937.4 (MANE Select); coding-DNA position 1015, G replaced by A.
Protein change: p.Asp339Asn; replaces aspartic acid 339 with asparagine.
Molecular consequence: missense variant.
Genome position (GRCh38, 1-based): chr14:45,151,493, G>A. VCF-style: chr14-45151493-G-A. GRCh37 (hg19) VCF-style: chr14-45620696-G-A.
Other names: c.937G>A, p.Asp313Asn (NM_001308133.2); c.1015G>A, p.Asp339Asn (NM_001308134.2); short protein forms D313N, D339N.
Identifiers: ClinVar variation 5036664 (VCV005036664.1).

ClinVar aggregate classification (germline): Uncertain significance (1 of 4 stars; one submission).

Conditions:
Inborn genetic diseases. Identifiers: MedGen C0950123, MeSH D030342.

Submission:

Ambry Genetics
Classification: Uncertain significance for Inborn genetic diseases. Last evaluated: 2026-08-08. Review status: criteria provided, single submitter. Criteria: Ambry Variant Classification Scheme 2023. Collection method: clinical testing. Allele origin: germline.
Comment: The p.D339N variant (also known as c.1015G>A), located in coding exon 5 of the FANCM gene, results from a G to A substitution at nucleotide position 1015. The aspartic acid at codon 339 is replaced by asparagine, an amino acid with highly similar properties. This amino acid position is conserved. In addition, this alteration is predicted to be tolerated by in silico analysis. Based on the available evidence, the clinical significance of this variant remains unclear.